The following is an entry in ClinVar:

ClinVar aggregate classification (germline): Uncertain significance (1 of 4 stars; one submission).

gnomAD v4.1: 1 of 1,613,946 alleles (0.000062%); highest among the groups gnomAD compares: Middle Eastern, 0.017%; no homozygotes.

Submission:

CeGaT Center for Human Genetics Tuebingen
Classification: Uncertain significance. Last evaluated: 2025-01-01. Review status: criteria provided, single submitter. Criteria: CeGaT Center For Human Genetics Tuebingen Variant Classification Criteria Version 2. Collection method: clinical testing. Allele origin: germline. Affected: yes. Observed: 1 variant allele.
Comment: APOC2: PM2, PM3, PP3

NM_000483.5(APOC2):c.55+6T>G

Genes: APOC2 (apolipoprotein C2; plus strand), APOC4-APOC2 (APOC4-APOC2 readthrough (NMD candidate); plus strand). Cytogenetic location: 19q13.32.
Variant type: single nucleotide variant.
Coding change: c.55+6T>G on transcript NM_000483.5 (MANE Select); 6 bases into the intron after coding-DNA position 55, T replaced by G.
Molecular consequence: intron variant.
Genome position (GRCh38, 1-based): chr19:44,948,539, T>G. VCF-style: chr19-44948539-T-G. GRCh37 (hg19) VCF-style: chr19-45451796-T-G.
Identifiers: ClinVar variation 3771685 (VCV003771685.13).
Genomic context (GRCh38, chr19:44,948,539, plus strand): 5'-ATGGGCACACGACTCCTCCCAGCTCTGTTTCTTGTCCTCCTGGTATTGGGATTTGGTGAG[T>G]GTGGGCTTCCGGGGAGGGAAGCCTTGGGGAGGGGAATGAGCTCCAAGCATCTTCCCAGCC-3'